The following is an entry in ClinVar:

NM_019109.5(ALG1):c.514C>A (p.His172Asn)

Gene: ALG1 (ALG1 chitobiosyldiphosphodolichol beta-mannosyltransferase; plus strand). Cytogenetic location: 16p13.3.
Variant type: single nucleotide variant.
Coding change: c.514C>A on transcript NM_019109.5 (MANE Select); coding-DNA position 514, C replaced by A.
Protein change: p.His172Asn; replaces histidine 172 with asparagine.
Molecular consequence: missense variant.
Genome position (GRCh38, 1-based): chr16:5,075,511, C>A. VCF-style: chr16-5075511-C-A. GRCh37 (hg19) VCF-style: chr16-5125512-C-A.
Other names: c.181C>A, p.His61Asn (NM_001330504.2); c.514C>A (NM_019109.4); short protein forms H172N, H61N.
Identifiers: ClinVar variation 2152763 (VCV002152763.3), dbSNP rs775720618, ClinGen allele CA7889851.

ClinVar aggregate classification (germline): Uncertain significance. Review status: criteria provided, multiple submitters, no conflicts (2 of 4 stars). 2 submissions from 2 submitters: Uncertain significance (2). Last evaluated 2023-06-22.

Conditions:
Inborn genetic diseases. Identifiers: MedGen C0950123, MeSH D030342.
ALG1-congenital disorder of glycosylation. Also called: CONGENITAL DISORDER OF GLYCOSYLATION, TYPE Ik; CDG Ik; ALG1-CDG. Identifiers: Orphanet 79327, MedGen C2931005, MONDO:0012052, OMIM 608540.

Allele frequency attached by ClinVar (database versions not stated): TOPMed 0.00001.
gnomAD v4.1: 6 of 1,614,060 alleles (0.00037%); highest among the groups gnomAD compares: Non-Finnish European, 0.00051%; no homozygotes.

Submissions (2):

Ambry Genetics
Classification: Uncertain significance for Inborn genetic diseases. Last evaluated: 2023-06-22. Review status: criteria provided, single submitter. Criteria: Ambry Variant Classification Scheme 2023. Collection method: clinical testing. Allele origin: germline.

Labcorp Genetics (formerly Invitae), Labcorp
Classification: Uncertain significance for ALG1-congenital disorder of glycosylation. Last evaluated: 2022-06-08. Review status: criteria provided, single submitter. Criteria: Invitae Variant Classification Sherloc (09022015). Collection method: clinical testing. Allele origin: germline.
Comment: This sequence change replaces histidine, which is basic and polar, with asparagine, which is neutral and polar, at codon 172 of the ALG1 protein (p.His172Asn). This variant is present in population databases (rs775720618, gnomAD 0.002%). This variant has not been reported in the literature in individuals affected with ALG1-related conditions. Advanced modeling of protein sequence and biophysical properties (such as structural, functional, and spatial information, amino acid conservation, physicochemical variation, residue mobility, and thermodynamic stability) performed at Invitae indicates that this missense variant is expected to disrupt ALG1 protein function. In summary, the available evidence is currently insufficient to determine the role of this variant in disease. Therefore, it has been classified as a Variant of Uncertain Significance.